The following is an entry in ClinVar:

NM_177438.3(DICER1):c.5527+22A>T

Gene: DICER1 (dicer 1, ribonuclease III; minus strand). Cytogenetic location: 14q32.13.
Variant type: single nucleotide variant.
Coding change: c.5527+22A>T on transcript NM_177438.3 (MANE Select); 22 bases into the intron after coding-DNA position 5527, A replaced by T.
Molecular consequence: intron variant.
Genome position (GRCh38, 1-based): chr14:95,091,181, T>A on the plus strand (A>T on the coding strand, the complement: DICER1 is on the minus strand). VCF-style: chr14-95091181-T-A. GRCh37 (hg19) VCF-style: chr14-95557518-T-A.
Other names: c.5527+22A>T (NM_001291628.2, NM_030621.4, NM_001395677.1 and 7 more transcripts); c.5122+22A>T (NM_001395690.1, NM_001395687.1, NM_001395689.1 and 1 more transcripts); c.5245+22A>T (NM_001395686.1); c.4960+22A>T (NM_001395691.1); c.3844+22A>T (NM_001395697.1); c.5365-72A>T (NM_001195573.1).
Identifiers: ClinVar variation 4539124 (VCV004539124.1).

ClinVar aggregate classification (germline): Likely benign (1 of 4 stars; one submission).

Submission:

Center for Genomic Medicine, Rigshospitalet, Copenhagen University Hospital
Classification: Likely benign. Last evaluated: 2025-12-29. Review status: criteria provided, single submitter. Criteria: ACMG Guidelines, 2015. Collection method: clinical testing. Allele origin: germline.
Comment: Classification criteria: BP4, BP7